The following is an entry in ClinVar:

ClinVar aggregate classification (germline): Uncertain significance (1 of 4 stars; one submission).

Conditions:
Evans syndrome, immunodeficiency, and premature immunosenescence associated with tripeptidyl-peptidase II deficiency. Identifiers: MedGen CN231723. Disease mechanism: loss of function.

Submission:

Labcorp Genetics (formerly Invitae), Labcorp
Classification: Uncertain significance for Evans syndrome, immunodeficiency, and premature immunosenescence associated with tripeptidyl-peptidase II deficiency. Last evaluated: 2025-05-19. Review status: criteria provided, single submitter. Criteria: Invitae Variant Classification Sherloc (09022015). Collection method: clinical testing. Allele origin: germline.
Comment: This sequence change replaces glutamic acid, which is acidic and polar, with lysine, which is basic and polar, at codon 612 of the TPP2 protein (p.Glu612Lys). This variant is not present in population databases (gnomAD no frequency). This variant has not been reported in the literature in individuals affected with TPP2-related conditions. An algorithm developed to predict the effect of missense changes on protein structure and function (PolyPhen-2) suggests that this variant is likely to be disruptive. In summary, the available evidence is currently insufficient to determine the role of this variant in disease. Therefore, it has been classified as a Variant of Uncertain Significance.

NM_001330588.2(TPP2):c.1834G>A (p.Glu612Lys)

Gene: TPP2 (tripeptidyl peptidase 2; plus strand). Cytogenetic location: 13q33.1.
Variant type: single nucleotide variant.
Coding change: c.1834G>A on transcript NM_001330588.2 (MANE Select); coding-DNA position 1834, G replaced by A.
Protein change: p.Glu612Lys; replaces glutamic acid 612 with lysine.
Molecular consequence: missense variant. On other transcripts: non-coding transcript variant (1).
Genome position (GRCh38, 1-based): chr13:102,637,237, G>A. VCF-style: chr13-102637237-G-A. GRCh37 (hg19) VCF-style: chr13-103289587-G-A.
Other names: c.1834G>A, p.Glu612Lys (NM_001367947.1, NM_003291.4); short protein forms E612K.
Identifiers: ClinVar variation 4719890 (VCV004719890.1).
Genomic context (GRCh38, chr13:102,637,237, plus strand): 5'-TGTAGACACATAAACATACGTGTGGATCCCAGGGGCTTAAGAGAAGGATTGCATTATACA[G>A]AGGTATTGATGTATCTTCATTTTTACTTTCTTCACTCTTTAAAATGTTTAAAAGGTTAAA-3'
Protein context (NP_001317517.1, residues 602-622): RGLREGLHYT[Glu612Lys]VCGYDIASPN